The following is an entry in ClinVar:

ClinVar aggregate classification (germline): Likely benign. Review status: criteria provided, multiple submitters, no conflicts (2 of 4 stars). 3 submissions from 2 submitters: Likely benign (2). 1 of the submissions does not count toward it. Last evaluated 2024-12-04.

Conditions:
Sotos syndrome (SOTOS). Also called: Sotos' syndrome; CHROMOSOME 5q35 DELETION SYNDROME; SOTOS SYNDROME 1; Distinctive facial appearance, overgrowth in childhood, and learning disabilities or delayed development; CEREBRAL GIGANTISM. Identifiers: Orphanet 821, MedGen C0175695, MONDO:0019349, OMIM 117550.

Allele frequency attached by ClinVar (database versions not stated): gnomAD exomes 0.00002; TOPMed 0.00002; ExAC 0.00003; gnomAD 0.00003.
gnomAD v4.1: 22 of 1,613,932 alleles (0.0014%); highest among the groups gnomAD compares: South Asian, 0.0055%; no homozygotes.

Submissions (3):

Labcorp Genetics (formerly Invitae), Labcorp
Classification: Likely benign. Last evaluated: 2024-12-04. Review status: criteria provided, single submitter. Criteria: Invitae Variant Classification Sherloc (09022015). Collection method: clinical testing. Allele origin: germline.

Blueprint Genetics
Classification: Likely benign. Last evaluated: 2024-11-13. Review status: criteria provided, single submitter. Criteria: ACMG Guidelines, 2015. Collection method: clinical testing. Allele origin: germline.

Labcorp Genetics (formerly Invitae), Labcorp
Classification: Likely benign. Last evaluated: 2022-10-05. Review status: flagged submission. Criteria: Invitae Variant Classification Sherloc (09022015). Collection method: clinical testing. Allele origin: germline. Not counted in ClinVar's aggregate classification.
ClinVar note: Reason: This record appears to be redundant with a more recent record from the same submitter.
ClinVar note: Notes: SCV002131731 appears to be redundant with SCV001402530.

NM_022455.5(NSD1):c.3698G>A (p.Arg1233Gln)

Gene: NSD1 (nuclear receptor binding SET domain protein 1; plus strand). Cytogenetic location: 5q35.3.
Variant type: single nucleotide variant.
Coding change: c.3698G>A on transcript NM_022455.5 (MANE Select); coding-DNA position 3698, G replaced by A.
Protein change: p.Arg1233Gln; replaces arginine 1233 with glutamine.
Molecular consequence: missense variant.
Genome position (GRCh38, 1-based): chr5:177,212,097, G>A. VCF-style: chr5-177212097-G-A. GRCh37 (hg19) VCF-style: chr5-176639098-G-A.
Other names: c.2825G>A, p.Arg942Gln (NM_001365684.2, NM_172349.5, NM_001409306.1 and 3 more transcripts); c.3698G>A, p.Arg1233Gln (NM_001409301.1, NM_001409302.1, NM_001409303.1); c.3278G>A, p.Arg1093Gln (NM_001409304.1); c.2945G>A, p.Arg982Gln (NM_001409305.1); short protein forms R1233Q, R964Q, R942Q, R1093Q, R982Q.
Identifiers: ClinVar variation 957134 (VCV000957134.7), dbSNP rs774868314, ClinGen allele CA3577481.